The following is an entry in ClinVar:

ClinVar aggregate classification (germline): Benign. Review status: criteria provided, multiple submitters, no conflicts (2 of 4 stars). 7 submissions from 7 submitters: Benign (6). 1 of the submissions does not count toward it. Last evaluated 2026-01-31.

Conditions:
Inborn genetic diseases. Identifiers: MedGen C0950123, MeSH D030342.
Nicolaides-Baraitser syndrome (NCBRS). Also called: Intellectual disability-sparse hair-brachydactyly syndrome; SMARCA2-Related Nicolaides-Baraitser Syndrome. Identifiers: Orphanet 3051, MedGen C1303073, MONDO:0011053, OMIM 601358.

Allele frequency attached by ClinVar (database versions not stated): gnomAD exomes 0.00432 and 0.01128; ExAC 0.01592; gnomAD 0.04459 and 0.04780; 1000 Genomes Project 0.04892; ESP Exome Variant Server 0.04898; TOPMed 0.04973; 1000 Genomes Project 30x 0.05372.
gnomAD v4.1: 13,413 of 1,613,282 alleles (0.83%); highest among the groups gnomAD compares: African/African-American, 16%; 961 homozygotes.

Submissions (7):

Labcorp Genetics (formerly Invitae), Labcorp
Classification: Benign. Last evaluated: 2026-01-31. Review status: criteria provided, single submitter. Criteria: Invitae Variant Classification Sherloc (09022015). Collection method: clinical testing. Allele origin: germline.

Mayo Clinic Laboratories, Mayo Clinic
Classification: Benign. Last evaluated: 2022-07-08. Review status: criteria provided, single submitter. Criteria: ACMG Guidelines, 2015. Collection method: clinical testing. Allele origin: germline. Observed: 10 variant alleles.

GeneDx
Classification: Benign. Last evaluated: 2018-09-04. Review status: criteria provided, single submitter. Criteria: GeneDx Variant Classification Process June 2021. Collection method: clinical testing. Allele origin: germline. Affected: yes.

Illumina Laboratory Services, Illumina
Classification: Benign for Nicolaides-Baraitser syndrome. Last evaluated: 2018-01-12. Review status: criteria provided, single submitter. Criteria: ICSL Variant Classification Criteria 13 December 2019. Collection method: clinical testing. Allele origin: germline.
Comment: This variant was observed in the ICSL laboratory as part of a predisposition screen in an ostensibly healthy population. It had not been previously curated by ICSL or reported in the Human Gene Mutation Database (HGMD: prior to June 1st, 2018), and was therefore a candidate for classification through an automated scoring system. Utilizing variant allele frequency, disease prevalence and penetrance estimates, and inheritance mode, an automated score was calculated to assess if this variant is too frequent to cause the disease. Based on the score and internal cut-off values, a variant classified as benign is not then subjected to further curation. The score for this variant resulted in a classification of benign for this disease.

Ambry Genetics
Classification: Benign for Inborn genetic diseases. Last evaluated: 2016-06-18. Review status: criteria provided, single submitter. Criteria: Ambry Variant Classification Scheme 2023. Collection method: clinical testing. Allele origin: germline.

Breakthrough Genomics
Classification: Benign. Review status: criteria provided, single submitter. Criteria: ACMG Guidelines, 2015. Collection method: not provided. Allele origin: germline. Inheritance: Autosomal dominant inheritance. Affected: yes.

Genetic Services Laboratory, University of Chicago
Classification: Likely benign for AllHighlyPenetrant. Review status: no assertion criteria provided. Collection method: clinical testing. Allele origin: germline. Inheritance: Autosomal dominant inheritance. Observed: 3 variant alleles. Not counted in ClinVar's aggregate classification.
Comment: Likely benign based on allele frequency in 1000 Genomes Project or ESP global frequency and its presence in a patient with a rare or unrelated disease phenotype. NOT Sanger confirmed.

NM_003070.5(SMARCA2):c.174G>A (p.Pro58=)

Gene: SMARCA2 (SWI/SNF related BAF chromatin remodeling complex subunit ATPase 2; plus strand). Cytogenetic location: 9p24.3.
Variant type: single nucleotide variant.
Coding change: c.174G>A on transcript NM_003070.5 (MANE Select); coding-DNA position 174, G replaced by A.
Protein change: p.Pro58=; no amino-acid change (proline 58 retained).
Molecular consequence: synonymous variant.
Genome position (GRCh38, 1-based): chr9:2,029,196, G>A. VCF-style: chr9-2029196-G-A. GRCh37 (hg19) VCF-style: chr9-2029196-G-A.
Other names: p.Pro58=; c.174G>A, p.Pro58= (NM_001289396.2, NM_001289397.2, NM_139045.4).
Identifiers: ClinVar variation 126343 (VCV000126343.25), dbSNP rs10964470, ClinGen allele CA151081.